The following is an entry in ClinVar:

NM_181532.3(ERAS):c.492C>T (p.Ala164=)

Gene: ERAS (ES cell expressed Ras; plus strand). Cytogenetic location: Xp11.23.
Variant type: single nucleotide variant.
Coding change: c.492C>T on transcript NM_181532.3 (MANE Select); coding-DNA position 492, C replaced by T.
Protein change: p.Ala164=; no amino-acid change (alanine 164 retained).
Molecular consequence: synonymous variant.
Genome position (GRCh38, 1-based): chrX:48,829,615, C>T. VCF-style: chrX-48829615-C-T. GRCh37 (hg19) VCF-style: chrX-48688025-C-T.
Identifiers: ClinVar variation 2660479 (VCV002660479.24), dbSNP rs781800923, ClinGen allele CA516357782.
Genomic context (GRCh38, chrX:48,829,615, plus strand): 5'-GCCCCTTGTCCTCGTGGGCAACAAGTGTGACCTTGTGACCACTGCTGGAGATGCTCATGC[C>T]GCTGCTGCAGCCCTCGCACACAGCTGGGGGGCCCACTTCGTGGAGACCTCGGCCAAAACA-3'
Protein context (NP_853510.1, residues 154-174): DLVTTAGDAH[Ala164=]AAAALAHSWG

ClinVar aggregate classification (germline): Likely benign (1 of 4 stars; one submission).

Allele frequency attached by ClinVar (database versions not stated): gnomAD 0.00004.

Submission:

CeGaT Center for Human Genetics Tuebingen
Classification: Likely benign. Last evaluated: 2022-04-01. Review status: criteria provided, single submitter. Criteria: CeGaT Center For Human Genetics Tuebingen Variant Classification Criteria Version 2. Collection method: clinical testing. Allele origin: germline. Affected: yes. Observed: 1 variant allele.
Comment: ERAS: BP4, BP7